The following is an entry in ClinVar:

NM_000090.4(COL3A1):c.2104G>A (p.Gly702Ser)

Gene: COL3A1 (collagen type III alpha 1 chain; plus strand). Cytogenetic location: 2q32.2.
Variant type: single nucleotide variant.
Coding change: c.2104G>A on transcript NM_000090.4 (MANE Select); coding-DNA position 2104, G replaced by A.
Protein change: p.Gly702Ser; replaces glycine 702 with serine.
Molecular consequence: missense variant.
Genome position (GRCh38, 1-based): chr2:188,999,366, G>A. VCF-style: chr2-188999366-G-A. GRCh37 (hg19) VCF-style: chr2-189864092-G-A.
Other names: short protein forms G702S.
Identifiers: ClinVar variation 2203229 (VCV002203229.4), dbSNP rs2153503006, ClinGen allele CA349840333.

ClinVar aggregate classification (germline): Pathogenic (1 of 4 stars; one submission).

Conditions:
Ehlers-Danlos syndrome, type 4 (EDSVASC). Also called: Ehlers-Danlos syndrome vascular type; Ehlers Danlos syndrome, ecchymotic type; Ehlers Danlos syndrome, arterial type; Ehlers Danlos syndrome, Sack-Barabas type; Ehlers-Danlos Syndrome Type IV. Identifiers: Orphanet 286, MedGen C0268338, MONDO:0017314, OMIM 130050.

Submission:

Labcorp Genetics (formerly Invitae), Labcorp
Classification: Pathogenic for Ehlers-Danlos syndrome, type 4. Last evaluated: 2025-04-02. Review status: criteria provided, single submitter. Criteria: Invitae Variant Classification Sherloc (09022015). Collection method: clinical testing. Allele origin: germline.
Comment: This sequence change replaces glycine, which is neutral and non-polar, with serine, which is neutral and polar, at codon 702 of the COL3A1 protein (p.Gly702Ser). This variant is not present in population databases (gnomAD no frequency). This missense change has been observed in individuals with autosomal dominant COL3A1-related conditions (PMID: 25758994; internal data). ClinVar contains an entry for this variant (Variation ID: 2203229). Invitae Evidence Modeling of protein sequence and biophysical properties (such as structural, functional, and spatial information, amino acid conservation, physicochemical variation, residue mobility, and thermodynamic stability) indicates that this missense variant is expected to disrupt COL3A1 protein function with a positive predictive value of 95%. This variant disrupts the triple helix domain of COL3A1. Glycine residues within the Gly-Xaa-Yaa repeats of the triple helix domain are required for the structure and stability of fibrillar collagens (PMID: 7695699, 8218237, 19344236). In COL3A1, variants that affect these glycine residues are significantly enriched in individuals with disease (PMID: 24922459, 25758994) compared to the general population (ExAC). For these reasons, this variant has been classified as Pathogenic.

Literature cited by the submitters: PubMed 25758994; PubMed 7695699; PubMed 8218237; PubMed 19344236; PubMed 24922459.